The following is an entry in ClinVar:

ClinVar aggregate classification (germline): Uncertain significance. Review status: criteria provided, multiple submitters, no conflicts (2 of 4 stars). 2 submissions from 2 submitters: Uncertain significance (2). Last evaluated 2021-05-12.

Conditions:
Hereditary cancer-predisposing syndrome. Also called: Neoplastic Syndromes, Hereditary; Tumor predisposition; Hereditary neoplastic syndrome; Hereditary Cancer Syndrome. Identifiers: Orphanet 140162, MedGen C0027672, MeSH D009386, MONDO:0015356.
Haddad syndrome (OHD). Also called: Ondine-Hirschsprung disease. Identifiers: Orphanet 99803, MedGen C1859049, MONDO:0020493.

Submissions (2):

Labcorp Genetics (formerly Invitae), Labcorp
Classification: Uncertain significance for Haddad syndrome. Last evaluated: 2021-05-12. Review status: criteria provided, single submitter. Criteria: Invitae Variant Classification Sherloc (09022015). Collection method: clinical testing. Allele origin: germline.
Comment: In summary, the available evidence is currently insufficient to determine the role of this variant in disease. Therefore, it has been classified as a Variant of Uncertain Significance. Algorithms developed to predict the effect of missense changes on protein structure and function are either unavailable or do not agree on the potential impact of this missense change (SIFT: "Deleterious"; PolyPhen-2: "Benign"; Align-GVGD: "Class C65"). This variant has not been reported in the literature in individuals with PHOX2B-related conditions. This variant is not present in population databases (ExAC no frequency). This sequence change replaces aspartic acid with histidine at codon 88 of the PHOX2B protein (p.Asp88His). The aspartic acid residue is highly conserved and there is a moderate physicochemical difference between aspartic acid and histidine.

Ambry Genetics
Classification: Uncertain significance for Hereditary cancer-predisposing syndrome. Last evaluated: 2020-03-23. Review status: criteria provided, single submitter. Criteria: Ambry Variant Classification Scheme 2023. Collection method: clinical testing. Allele origin: germline.
Comment: The p.D88H variant (also known as c.262G>C), located in coding exon 2 of the PHOX2B gene, results from a G to C substitution at nucleotide position 262. The aspartic acid at codon 88 is replaced by histidine, an amino acid with similar properties. This amino acid position is highly conserved in available vertebrate species. In addition, this alteration is predicted to be deleterious by in silico analysis. Since supporting evidence is limited at this time, the clinical significance of this alteration remains unclear.

NM_003924.4(PHOX2B):c.262G>C (p.Asp88His)

Gene: PHOX2B (paired like homeobox 2B; minus strand). Cytogenetic location: 4p13.
Variant type: single nucleotide variant.
Coding change: c.262G>C on transcript NM_003924.4 (MANE Select); coding-DNA position 262, G replaced by C.
Protein change: p.Asp88His; replaces aspartic acid 88 with histidine.
Molecular consequence: missense variant.
Genome position (GRCh38, 1-based): chr4:41,747,516, C>G on the plus strand (G>C on the coding strand, the complement: PHOX2B is on the minus strand). VCF-style: chr4-41747516-C-G. GRCh37 (hg19) VCF-style: chr4-41749533-C-G.
Other names: short protein forms D88H.
Identifiers: ClinVar variation 1353277 (VCV001353277.10), dbSNP rs1402111533, ClinGen allele CA356740541.